The following is an entry in ClinVar:

NM_003888.4(ALDH1A2):c.450C>T (p.Tyr150=)

Gene: ALDH1A2 (aldehyde dehydrogenase 1 family member A2; minus strand). Cytogenetic location: 15q21.3.
Variant type: single nucleotide variant.
Coding change: c.450C>T on transcript NM_003888.4 (MANE Select); coding-DNA position 450, C replaced by T.
Protein change: p.Tyr150=; no amino-acid change (tyrosine 150 retained).
Molecular consequence: synonymous variant.
Genome position (GRCh38, 1-based): chr15:58,010,692, G>A on the plus strand (C>T on the coding strand, the complement: ALDH1A2 is on the minus strand). VCF-style: chr15-58010692-G-A. GRCh37 (hg19) VCF-style: chr15-58302890-G-A.
Other names: c.387C>T, p.Tyr129= (NM_001206897.2); c.450C>T, p.Tyr150= (NM_170696.3); c.162C>T, p.Tyr54= (NM_170697.3).
Identifiers: ClinVar variation 5038773 (VCV005038773.1).

ClinVar aggregate classification (germline): Likely benign (1 of 4 stars; one submission).

gnomAD v4.1: 286 of 1,613,456 alleles (0.018%); highest among the groups gnomAD compares: African/African-American, 0.12%; no homozygotes.

Submission:

CeGaT Center for Human Genetics Tuebingen
Classification: Likely benign. Last evaluated: 2026-08-01. Review status: criteria provided, single submitter. Criteria: CeGaT Center For Human Genetics Tuebingen Variant Classification Criteria Version 2. Collection method: clinical testing. Allele origin: germline. Affected: yes. Observed: 1 variant allele.
Comment: ALDH1A2: BP4, BP7